The following is an entry in ClinVar:

NM_170707.4(LMNA):c.1844C>G (p.Ser615Cys)

Gene: LMNA (lamin A/C; plus strand). Cytogenetic location: 1q22.
Variant type: single nucleotide variant.
Coding change: c.1844C>G on transcript NM_170707.4 (MANE Select); coding-DNA position 1844, C replaced by G.
Protein change: p.Ser615Cys; replaces serine 615 with cysteine.
Molecular consequence: missense variant. On other transcripts: intron variant (1).
Genome position (GRCh38, 1-based): chr1:156,138,633, C>G. VCF-style: chr1-156138633-C-G. GRCh37 (hg19) VCF-style: chr1-156108424-C-G.
Other names: c.1508C>G, p.Ser503Cys (NM_001257374.3); c.1754C>G, p.Ser585Cys (NM_170708.4); c.1818+26C>G (NM_001282626.2); short protein forms S585C, S615C, S503C.
Identifiers: ClinVar variation 245882 (VCV000245882.3), dbSNP rs879253982, ClinGen allele CA10584135.

ClinVar aggregate classification (germline): Uncertain significance (1 of 4 stars; one submission).

Submission:

GeneDx
Classification: Uncertain significance. Last evaluated: 2020-02-05. Review status: criteria provided, single submitter. Criteria: GeneDx Variant Classification Process June 2021. Collection method: clinical testing. Allele origin: germline. Affected: yes.
Comment: Has not been previously published as pathogenic or benign to our knowledge; Not observed in large population cohorts (Lek et al., 2016); In silico analysis supports that this missense variant does not alter protein structure/function